The following is an entry in ClinVar:

ClinVar aggregate classification (germline): Uncertain significance (1 of 4 stars; one submission).

Submission:

GeneDx
Classification: Uncertain significance. Last evaluated: 2026-03-02. Review status: criteria provided, single submitter. Criteria: GeneDx Variant Classification Process June 2021. Collection method: clinical testing. Allele origin: germline.
Comment: Not observed at significant frequency in large population cohorts (gnomAD); In silico analysis supports that this missense variant has a deleterious effect on protein structure/function; Has not been previously published as pathogenic or benign to our knowledge

NM_006767.4(LZTR1):c.232G>T (p.Asp78Tyr)

Gene: LZTR1 (leucine zipper like post translational regulator 1; plus strand). Cytogenetic location: 22q11.21.
Variant type: single nucleotide variant.
Coding change: c.232G>T on transcript NM_006767.4 (MANE Select); coding-DNA position 232, G replaced by T.
Protein change: p.Asp78Tyr; replaces aspartic acid 78 with tyrosine.
Molecular consequence: missense variant.
Genome position (GRCh38, 1-based): chr22:20,983,058, G>T. VCF-style: chr22-20983058-G-T. GRCh37 (hg19) VCF-style: chr22-21337347-G-T.
Other names: short protein forms D78Y.
Identifiers: ClinVar variation 5008400 (VCV005008400.1).